The following is an entry in ClinVar:

ClinVar aggregate classification (germline): Uncertain significance (1 of 4 stars; one submission).

Conditions:
Cardiovascular phenotype. Identifiers: MedGen CN230736.

Submission:

Ambry Genetics
Classification: Uncertain significance for Cardiovascular phenotype. Last evaluated: 2025-04-30. Review status: criteria provided, single submitter. Criteria: Ambry Variant Classification Scheme 2023. Collection method: clinical testing. Allele origin: germline.
Comment: The p.A827P variant (also known as c.2479G>C), located in coding exon 17 of the VCL gene, results from a G to C substitution at nucleotide position 2479. The alanine at codon 827 is replaced by proline, an amino acid with highly similar properties. This amino acid position is conserved. In addition, this alteration is predicted to be deleterious by in silico analysis. Based on the available evidence, the clinical significance of this variant remains unclear.

NM_014000.3(VCL):c.2479G>C (p.Ala827Pro)

Gene: VCL (vinculin; plus strand). Cytogenetic location: 10q22.2.
Variant type: single nucleotide variant.
Coding change: c.2479G>C on transcript NM_014000.3 (MANE Select); coding-DNA position 2479, G replaced by C.
Protein change: p.Ala827Pro; replaces alanine 827 with proline.
Molecular consequence: missense variant.
Genome position (GRCh38, 1-based): chr10:74,107,274, G>C. VCF-style: chr10-74107274-G-C. GRCh37 (hg19) VCF-style: chr10-75867032-G-C.
Other names: c.2479G>C, p.Ala827Pro (NM_003373.4); short protein forms A827P.
Identifiers: ClinVar variation 3979537 (VCV003979537.1).